The following is an entry in ClinVar:

ClinVar aggregate classification (germline): Uncertain significance. Review status: criteria provided, multiple submitters, no conflicts (2 of 4 stars). 2 submissions from 2 submitters: Uncertain significance (2). Last evaluated 2026-07-06.

Conditions:
Hereditary cancer-predisposing syndrome. Also called: Hereditary Cancer Syndrome; Neoplastic Syndromes, Hereditary; Hereditary neoplastic syndrome; Tumor predisposition. Identifiers: Orphanet 140162, MedGen C0027672, MeSH D009386, MONDO:0015356.
Gastrointestinal stromal tumor. Also called: Gastrointestinal stromal tumor, somatic; Gastrointestinal stroma tumor. Identifiers: Orphanet 44890, MedGen C0238198, MeSH D046152, MONDO:0011719, OMIM 606764, HP:0100723.

Allele frequency attached by ClinVar (database versions not stated): TOPMed below 0.00001.

Submissions (2):

Ambry Genetics
Classification: Uncertain significance for Hereditary cancer-predisposing syndrome. Last evaluated: 2026-07-06. Review status: criteria provided, single submitter. Criteria: Ambry Variant Classification Scheme 2023. Collection method: clinical testing. Allele origin: germline.
Comment: The c.2562+5G>A intronic variant results from a G to A substitution 5 nucleotides after coding exon 17 in the PDGFRA gene. This nucleotide position is highly conserved in available vertebrate species. In silico splice site analysis predicts that this alteration will weaken the native splice donor site and may result in the creation or strengthening of a novel splice donor site. Based on the available evidence, the clinical significance of this variant remains unclear.

Labcorp Genetics (formerly Invitae), Labcorp
Classification: Uncertain significance for Gastrointestinal stromal tumor. Last evaluated: 2025-04-08. Review status: criteria provided, single submitter. Criteria: Invitae Variant Classification Sherloc (09022015). Collection method: clinical testing. Allele origin: germline.
Comment: This sequence change falls in intron 18 of the PDGFRA gene. It does not directly change the encoded amino acid sequence of the PDGFRA protein. It affects a nucleotide within the consensus splice site. This variant is not present in population databases (gnomAD no frequency). This variant has not been reported in the literature in individuals affected with PDGFRA-related conditions. ClinVar contains an entry for this variant (Variation ID: 1398720). Variants that disrupt the consensus splice site are a relatively common cause of aberrant splicing (PMID: 17576681, 9536098). Algorithms developed to predict the effect of sequence changes on RNA splicing suggest that this variant may disrupt the consensus splice site. In summary, the available evidence is currently insufficient to determine the role of this variant in disease. Therefore, it has been classified as a Variant of Uncertain Significance.

Literature cited by the submitters: PubMed 17576681 (cited by Labcorp Genetics (formerly Invitae), Labcorp); PubMed 9536098 (cited by Labcorp Genetics (formerly Invitae), Labcorp).

NM_006206.6(PDGFRA):c.2562+5G>A

Gene: PDGFRA (platelet derived growth factor receptor alpha; plus strand). Cytogenetic location: 4q12.
Variant type: single nucleotide variant.
Coding change: c.2562+5G>A on transcript NM_006206.6 (MANE Select); 5 bases into the intron after coding-DNA position 2562, G replaced by A.
Molecular consequence: intron variant.
Genome position (GRCh38, 1-based): chr4:54,285,968, G>A. VCF-style: chr4-54285968-G-A. GRCh37 (hg19) VCF-style: chr4-55152135-G-A.
Other names: c.2637+5G>A (NM_001347828.2); c.2562+5G>A (NM_001347829.2, NM_006206.4); c.2601+5G>A (NM_001347830.2).
Identifiers: ClinVar variation 1398720 (VCV001398720.7), dbSNP rs1005626657, ClinGen allele CA96866883.